The following is an entry in ClinVar:

NM_013275.6(ANKRD11):c.4107_4108del (p.Lys1370fs)

Gene: ANKRD11 (ankyrin repeat domain 11; minus strand). Cytogenetic location: 16q24.3.
Variant type: Microsatellite.
Coding change: c.4107_4108del on transcript NM_013275.6 (MANE Select); coding-DNA positions 4107 to 4108, 2 bases deleted (GA; older notation c.4107_4108delGA).
Protein change: p.Lys1370fs; shifts the reading frame from lysine 1370.
Molecular consequence: frameshift variant.
Genome position (GRCh38, 1-based): chr16:89,282,434-89,282,435, TC deleted on the plus strand (GA on the coding strand, the reverse complement: ANKRD11 is on the minus strand); deleting any 2 consecutive bases within chr16:89,282,434-89,282,438 gives the same sequence; the c. name uses the placement nearest the transcript's 3' end. VCF-style (leftmost placement, unchanged base first): chr16-89282433-TTC-T. GRCh37 (hg19) VCF-style: chr16-89348841-TTC-T.
Other names: c.4107_4108del, p.Lys1370fs (NM_001256182.2, NM_001256183.2); short protein forms K1370fs.
Identifiers: ClinVar variation 2574204 (VCV002574204.3), dbSNP rs2544234255, ClinGen allele CA2580613976.

ClinVar aggregate classification (germline): Pathogenic/Likely pathogenic. Review status: criteria provided, multiple submitters, no conflicts (2 of 4 stars). 3 submissions from 3 submitters: Pathogenic (2); Likely pathogenic (1). Last evaluated 2023-07-07.

Conditions:
KBG syndrome (KBGS). Also called: ANKRD11-Related KBG Syndrome. Identifiers: Orphanet 2332, MedGen C0220687, MONDO:0007846, OMIM 148050.

Submissions (3):

Laboratorio de Genetica e Diagnostico Molecular, Hospital Israelita Albert Einstein
Classification: Likely pathogenic for KBG syndrome. Last evaluated: 2023-07-07. Review status: criteria provided, single submitter. Criteria: ACMG Guidelines, 2015. Collection method: clinical testing. Allele origin: germline. Affected: yes.
Comment: ACMG classification criteria: PVS1 very strong, PM2 moderate

3billion
Classification: Pathogenic for KBG syndrome. Last evaluated: 2023-07-05. Review status: criteria provided, single submitter. Criteria: ACMG Guidelines, 2015. Collection method: clinical testing. Allele origin: germline. Affected: yes.
Comment: The variant is not observed in the gnomAD v2.1.1 dataset. Predicted Consequence/Location: Frameshift: predicted to result in a loss or disruption of normal protein function through nonsense-mediated decay (NMD) or protein truncation. Multiple pathogenic variants are reported downstream of the variant. The variant has been reported to be associated with ANKRD11 related disorder (PMID: 32124548). Therefore, this variant is classified as Pathogenic according to the recommendation of ACMG/AMP guideline.

GeneDx
Classification: Pathogenic. Last evaluated: 2023-01-31. Review status: criteria provided, single submitter. Criteria: GeneDx Variant Classification Process June 2021. Collection method: clinical testing. Allele origin: germline. Affected: yes.
Comment: Frameshift variant predicted to result in protein truncation or nonsense mediated decay in a gene for which loss of function is a known mechanism of disease; Not observed at significant frequency in large population cohorts (gnomAD); This variant is associated with the following publications: (PMID: 32124548, 34971082)

Literature cited by the submitters: PubMed 32124548 (cited by 3billion).